The following is an entry in ClinVar:

NM_032043.3(BRIP1):c.1140+9A>C

Gene: BRIP1 (BRCA1 interacting DNA helicase 1; minus strand). Cytogenetic location: 17q23.2.
Variant type: single nucleotide variant.
Coding change: c.1140+9A>C on transcript NM_032043.3 (MANE Select); 9 bases into the intron after coding-DNA position 1140, A replaced by C.
Molecular consequence: intron variant.
Genome position (GRCh38, 1-based): chr17:61,801,244, T>G on the plus strand (A>C on the coding strand, the complement: BRIP1 is on the minus strand). VCF-style: chr17-61801244-T-G. GRCh37 (hg19) VCF-style: chr17-59878605-T-G.
Identifiers: ClinVar variation 3379065 (VCV003379065.2).

ClinVar aggregate classification (germline): Likely benign. Review status: criteria provided, multiple submitters, no conflicts (2 of 4 stars). 2 submissions from 2 submitters: Likely benign (2). Last evaluated 2026-01-31.

Conditions:
Fanconi anemia complementation group J. Also called: BRIP1-Related Fanconi Anemia. Identifiers: Orphanet 84, MedGen C1836860, MONDO:0012187, OMIM 609054.
Familial cancer of breast. Also called: hereditary breast carcinoma; BREAST CANCER, FAMILIAL; Hereditary breast cancer. Identifiers: Orphanet 227535, MedGen C0346153, MONDO:0016419, OMIM 114480. Disease mechanism: loss of function.

Submissions (2):

Labcorp Genetics (formerly Invitae), Labcorp
Classification: Likely benign for Familial cancer of breast; Fanconi anemia complementation group J. Last evaluated: 2026-01-31. Review status: criteria provided, single submitter. Criteria: Invitae Variant Classification Sherloc (09022015). Collection method: clinical testing. Allele origin: germline.

Myriad Genetics, Inc.
Classification: Likely benign for Familial cancer of breast. Last evaluated: 2024-08-23. Review status: criteria provided, single submitter. Criteria: Myriad Autosomal Dominant, Autosomal Recessive and X-Linked Classification Criteria (2023). Collection method: clinical testing. Allele origin: unknown.
Comment: This variant is considered likely benign. This variant is intronic and is not expected to impact mRNA splicing.